The following is an entry in ClinVar:

ClinVar aggregate classification (germline): Uncertain significance. Review status: criteria provided, multiple submitters, no conflicts (2 of 4 stars). 2 submissions from 2 submitters: Uncertain significance (2). Last evaluated 2025-08-01.

Conditions:
Inborn genetic diseases. Identifiers: MedGen C0950123, MeSH D030342.

gnomAD v4.1: 6 of 1,613,834 alleles (0.00037%); highest among the groups gnomAD compares: Non-Finnish European, 0.00025%; no homozygotes.

Submissions (2):

Ambry Genetics
Classification: Uncertain significance for Inborn genetic diseases. Last evaluated: 2025-08-01. Review status: criteria provided, single submitter. Criteria: Ambry Variant Classification Scheme 2023. Collection method: clinical testing. Allele origin: germline.

Labcorp Genetics (formerly Invitae), Labcorp
Classification: Uncertain significance. Last evaluated: 2024-02-13. Review status: criteria provided, single submitter. Criteria: Invitae Variant Classification Sherloc (09022015). Collection method: clinical testing. Allele origin: germline.
Comment: This sequence change replaces aspartic acid, which is acidic and polar, with glycine, which is neutral and non-polar, at codon 906 of the NRIP1 protein (p.Asp906Gly). This variant is not present in population databases (gnomAD no frequency). This variant has not been reported in the literature in individuals affected with NRIP1-related conditions. An algorithm developed to predict the effect of missense changes on protein structure and function (PolyPhen-2) suggests that this variant is likely to be disruptive. In summary, the available evidence is currently insufficient to determine the role of this variant in disease. Therefore, it has been classified as a Variant of Uncertain Significance.

NM_003489.4(NRIP1):c.2717A>G (p.Asp906Gly)

Gene: NRIP1 (nuclear receptor interacting protein 1; minus strand). Cytogenetic location: 21q11.2.
Variant type: single nucleotide variant.
Coding change: c.2717A>G on transcript NM_003489.4 (MANE Select); coding-DNA position 2717, A replaced by G.
Protein change: p.Asp906Gly; replaces aspartic acid 906 with glycine.
Molecular consequence: missense variant.
Genome position (GRCh38, 1-based): chr21:14,965,476, T>C on the plus strand (A>G on the coding strand, the complement: NRIP1 is on the minus strand). VCF-style: chr21-14965476-T-C. GRCh37 (hg19) VCF-style: chr21-16337797-T-C.
Other names: c.2717A>G (NM_003489.3); short protein forms D906G.
Identifiers: ClinVar variation 3628606 (VCV003628606.3).
Genomic context (GRCh38, chr21:14,965,476, plus strand): 5'-CAACTCCTGTGTTCACTTTCGCTGGCTGAGCCATGACCAGCAGGATATTTAAATTCAAGA[T>C]CATTTCTGCTAAATTTCAGCTCTTCCTGGTTAAGCAAGGACCCATACAGTACTTCTGGGG-3'
Protein context (NP_003480.2, residues 896-916): NQEELKFSRN[Asp906Gly]LEFKYPAGHG